The following is an entry in ClinVar:

NM_005876.5(SPEG):c.2297G>T (p.Gly766Val)

Gene: SPEG (striated muscle enriched protein kinase; plus strand). Cytogenetic location: 2q35.
Variant type: single nucleotide variant.
Coding change: c.2297G>T on transcript NM_005876.5 (MANE Select); coding-DNA position 2297, G replaced by T.
Protein change: p.Gly766Val; replaces glycine 766 with valine.
Molecular consequence: missense variant. On other transcripts: intron variant (4).
Genome position (GRCh38, 1-based): chr2:219,451,664, G>T. VCF-style: chr2-219451664-G-T. GRCh37 (hg19) VCF-style: chr2-220316386-G-T.
Other names: c.2327G>T, p.Gly776Val (NM_001438924.1); c.2120G>T, p.Gly707Val (NM_001438925.1); c.2015G>T, p.Gly672Val (NM_001438926.1); c.1985G>T, p.Gly662Val (NM_001438927.1); c.1838G>T, p.Gly613Val (NM_001438928.1); c.1808G>T, p.Gly603Val (NM_001438930.1); c.1751G>T, p.Gly584Val (NM_001438932.1); c.1975+385G>T (NM_001438929.1); and 3 more; short protein forms G613V, G766V, G672V, G584V, G603V, G662V, G776V, G707V.
Identifiers: ClinVar variation 4828702 (VCV004828702.1).

ClinVar aggregate classification (germline): Uncertain significance (1 of 4 stars; one submission).

Conditions:
Inborn genetic diseases. Identifiers: MedGen C0950123, MeSH D030342.

gnomAD v4.1: 40 of 1,587,808 alleles (0.0025%); highest among the groups gnomAD compares: Non-Finnish European, 0.0032%; no homozygotes.

Submission:

Ambry Genetics
Classification: Uncertain significance for Inborn genetic diseases. Last evaluated: 2026-02-27. Review status: criteria provided, single submitter. Criteria: Ambry Variant Classification Scheme 2023. Collection method: clinical testing. Allele origin: germline.
Comment: The c.2297G>T (p.G766V) alteration is located in exon 6 (coding exon 6) of the SPEG gene. This alteration results from a G to T substitution at nucleotide position 2297, causing the glycine (G) at amino acid position 766 to be replaced by a valine (V). Based on data from gnomAD, the T allele has an overall frequency of 0.001% (2/204010) total alleles studied. The highest observed frequency was 0.002% (2/91302) of European (non-Finnish) alleles. Based on insufficient or conflicting evidence, the clinical significance of this alteration remains unclear.